The following is an entry in ClinVar:

ClinVar aggregate classification (germline): Uncertain significance (1 of 4 stars; one submission).

Conditions:
Familial cold autoinflammatory syndrome 2 (FCAS2). Identifiers: Orphanet 247868, MedGen C2673198, MONDO:0012724, OMIM 611762.

gnomAD v4.1: 1 of 1,613,802 alleles (0.000062%); highest among the groups gnomAD compares: African/African-American, 0.0013%; no homozygotes.

Submission:

Labcorp Genetics (formerly Invitae), Labcorp
Classification: Uncertain significance for Familial cold autoinflammatory syndrome 2. Last evaluated: 2026-01-22. Review status: criteria provided, single submitter. Criteria: Invitae Variant Classification Sherloc (09022015). Collection method: clinical testing. Allele origin: germline.
Comment: This sequence change replaces glutamine, which is neutral and polar, with arginine, which is basic and polar, at codon 415 of the NLRP12 protein (p.Gln415Arg). This variant is present in population databases (no rsID available, gnomAD 0.01%). This variant has not been reported in the literature in individuals affected with NLRP12-related conditions. Invitae Evidence Modeling of protein sequence and biophysical properties (such as structural, functional, and spatial information, amino acid conservation, physicochemical variation, residue mobility, and thermodynamic stability) indicates that this missense variant is not expected to disrupt NLRP12 protein function with a negative predictive value of 80%. In summary, the available evidence is currently insufficient to determine the role of this variant in disease. Therefore, it has been classified as a Variant of Uncertain Significance.

NM_144687.4(NLRP12):c.1244A>G (p.Gln415Arg)

Gene: NLRP12 (NLR family pyrin domain containing 12; minus strand). Cytogenetic location: 19q13.42.
Variant type: single nucleotide variant.
Coding change: c.1244A>G on transcript NM_144687.4 (MANE Select); coding-DNA position 1244, A replaced by G.
Protein change: p.Gln415Arg; replaces glutamine 415 with arginine.
Molecular consequence: missense variant.
Genome position (GRCh38, 1-based): chr19:53,810,415, T>C on the plus strand (A>G on the coding strand, the complement: NLRP12 is on the minus strand). VCF-style: chr19-53810415-T-C. GRCh37 (hg19) VCF-style: chr19-54313669-T-C.
Other names: c.1244A>G, p.Gln415Arg (NM_001277126.2, NM_001277129.1); short protein forms Q415R.
Identifiers: ClinVar variation 4777485 (VCV004777485.1).
Genomic context (GRCh38, chr19:53,810,415, plus strand): 5'-TACACTGCAGTGGTGGTCCTGGACGTCTGTCTCAACAGCCCCCCACCCTCCAGCTGCTGC[T>C]GGAGGCAGGTACACACCACCCAGCACACCAGGGGGACGAAGCACATGGTGAAGAGAGGCT-3'
Protein context (NP_653288.1, residues 405-425): LVCWVVCTCL[Gln415Arg]QQLEGGGLLR